The following is an entry in ClinVar:

ClinVar aggregate classification (germline): Likely benign (1 of 4 stars; one submission).

Submission:

CeGaT Center for Human Genetics Tuebingen
Classification: Likely benign. Last evaluated: 2026-04-01. Review status: criteria provided, single submitter. Criteria: CeGaT Center For Human Genetics Tuebingen Variant Classification Criteria Version 2. Collection method: clinical testing. Allele origin: germline. Affected: yes. Observed: 1 variant allele.
Comment: GTF3C3: PM2:Supporting, BP4, BP7

NM_012086.5(GTF3C3):c.1225T>C (p.Leu409=)

Gene: GTF3C3 (general transcription factor IIIC subunit 3; minus strand). Cytogenetic location: 2q33.1.
Variant type: single nucleotide variant.
Coding change: c.1225T>C on transcript NM_012086.5 (MANE Select); coding-DNA position 1225, T replaced by C.
Protein change: p.Leu409=; no amino-acid change (leucine 409 retained).
Molecular consequence: synonymous variant.
Genome position (GRCh38, 1-based): chr2:196,779,061, A>G on the plus strand (T>C on the coding strand, the complement: GTF3C3 is on the minus strand). VCF-style: chr2-196779061-A-G. GRCh37 (hg19) VCF-style: chr2-197643785-A-G.
Identifiers: ClinVar variation 4874498 (VCV004874498.2).
Genomic context (GRCh38, chr2:196,779,061, plus strand): 5'-CAGCAACATCTAGGTATAGGTCTCCCATATCTTCAGGATTCTGTTCTACTAGTGTTGTCA[A>G]GAGAGGCTAGACCACAAATAAAAGCCCCAAGTTAAACATTCATTACAAACGTGCACATCT-3'
Protein context (NP_036218.1, residues 399-419): LNILEPLNPL[Leu409=]TTLVEQNPED